The following is an entry in ClinVar:

NM_013432.5(TONSL):c.2139G>T (p.Gln713His)

Genes: TONSL (tonsoku like, DNA repair protein; minus strand), TONSL-AS1 (TONSL antisense RNA 1; plus strand). Cytogenetic location: 8q24.3.
Variant type: single nucleotide variant.
Coding change: c.2139G>T on transcript NM_013432.5 (MANE Select); coding-DNA position 2139, G replaced by T.
Protein change: p.Gln713His; replaces glutamine 713 with histidine.
Molecular consequence: missense variant.
Genome position (GRCh38, 1-based): chr8:144,436,294, C>A on the plus strand (G>T on the coding strand, the complement: TONSL is on the minus strand). VCF-style: chr8-144436294-C-A. GRCh37 (hg19) VCF-style: chr8-145661677-C-A.
Other names: c.2139G>T (NM_013432.4); short protein forms Q713H.
Identifiers: ClinVar variation 2027950 (VCV002027950.5), dbSNP rs867681913, ClinGen allele CA372657523.
Genomic context (GRCh38, chr8:144,436,294, plus strand): 5'-GCTCCTCCGAGGCCTGGCCATGGCTGGTGCCGCCTGCCCTGGGGAGACCCTGACATGGGC[C>A]TGAGAGGCCTCTGGGAGTCTAGTGCTATTAGAGGGGGGTTCTGGGCAGGGGCTCAAAGGA-3'
Protein context (NP_038460.4, residues 703-723): SNSTRLPEAS[Gln713His]AHVRVSPGQA

ClinVar aggregate classification (germline): Uncertain significance. Review status: criteria provided, multiple submitters, no conflicts (2 of 4 stars). 2 submissions from 2 submitters: Uncertain significance (2). Last evaluated 2025-02-07.

Conditions:
Inborn genetic diseases. Identifiers: MedGen C0950123, MeSH D030342.

gnomAD v4.1: 3 of 1,505,168 alleles (0.0002%); highest among the groups gnomAD compares: Admixed American, 0.0022%; no homozygotes.

Submissions (2):

Ambry Genetics
Classification: Uncertain significance for Inborn genetic diseases. Last evaluated: 2025-02-07. Review status: criteria provided, single submitter. Criteria: Ambry Variant Classification Scheme 2023. Collection method: clinical testing. Allele origin: germline.

Labcorp Genetics (formerly Invitae), Labcorp
Classification: Uncertain significance. Last evaluated: 2022-03-20. Review status: criteria provided, single submitter. Criteria: Invitae Variant Classification Sherloc (09022015). Collection method: clinical testing. Allele origin: germline.
Comment: This variant has not been reported in the literature in individuals affected with TONSL-related conditions. This variant is not present in population databases (gnomAD no frequency). This sequence change replaces glutamine, which is neutral and polar, with histidine, which is basic and polar, at codon 713 of the TONSL protein (p.Gln713His). Algorithms developed to predict the effect of missense changes on protein structure and function are either unavailable or do not agree on the potential impact of this missense change (SIFT: "Tolerated"; PolyPhen-2: "Possibly Damaging"; Align-GVGD: "Class C0"). In summary, the available evidence is currently insufficient to determine the role of this variant in disease. Therefore, it has been classified as a Variant of Uncertain Significance. Algorithms developed to predict the effect of sequence changes on RNA splicing suggest that this variant may create or strengthen a splice site.